The following is an entry in ClinVar:

ClinVar aggregate classification (germline): Likely benign (1 of 4 stars; one submission).

Allele frequency attached by ClinVar (database versions not stated): gnomAD exomes below 0.00001; ExAC 0.00003.
gnomAD v4.1: 5 of 1,613,980 alleles (0.00031%); highest among the groups gnomAD compares: South Asian, 0.0033%; no homozygotes.

Submission:

CeGaT Center for Human Genetics Tuebingen
Classification: Likely benign. Last evaluated: 2022-07-01. Review status: criteria provided, single submitter. Criteria: CeGaT Center For Human Genetics Tuebingen Variant Classification Criteria Version 2. Collection method: clinical testing. Allele origin: germline. Affected: yes. Observed: 1 variant allele.
Comment: SETD1A: BP4

NM_014712.3(SETD1A):c.2787G>A (p.Lys929=)

Gene: SETD1A (SET domain containing 1A, histone lysine methyltransferase; plus strand). Cytogenetic location: 16p11.2.
Variant type: single nucleotide variant.
Coding change: c.2787G>A on transcript NM_014712.3 (MANE Select); coding-DNA position 2787, G replaced by A.
Protein change: p.Lys929=; no amino-acid change (lysine 929 retained).
Molecular consequence: synonymous variant.
Genome position (GRCh38, 1-based): chr16:30,969,321, G>A. VCF-style: chr16-30969321-G-A. GRCh37 (hg19) VCF-style: chr16-30980642-G-A.
Identifiers: ClinVar variation 2646442 (VCV002646442.24), dbSNP rs750042482, ClinGen allele CA8017042.
Genomic context (GRCh38, chr16:30,969,321, plus strand): 5'-GTGGTTGATGGTAAATTTCCCCAACTACCACTCTGCTGGCCTAGACCCTGAACAAGAGAA[G>A]GAGGCTGGAGAGCCAGGACGTCCGGGGACCAAGCCCCCGAAGCGGGACGAAGAGCGAGGC-3'
Protein context (NP_055527.1, residues 919-939): EEDEDDPEQE[Lys929=]EAGEPGRPGT